The following is an entry in ClinVar:

ClinVar aggregate classification (germline): Uncertain significance (1 of 4 stars; one submission).

Conditions:
Leukocyte adhesion deficiency 1 (LAD1). Also called: LEUKOCYTE ADHESION DEFICIENCY, TYPE I; LAD 1; Lymphocyte function-associated antigen 1 immunodeficiency; LFA 1 immunodeficiency. Identifiers: Orphanet 2968, Orphanet 99842, MedGen C0398738, MONDO:0007293, OMIM 116920.

Submission:

Labcorp Genetics (formerly Invitae), Labcorp
Classification: Uncertain significance for Leukocyte adhesion deficiency 1. Last evaluated: 2020-06-09. Review status: criteria provided, single submitter. Criteria: Invitae Variant Classification Sherloc (09022015). Collection method: clinical testing. Allele origin: germline.
Comment: In summary, the available evidence is currently insufficient to determine the role of this variant in disease. Therefore, it has been classified as a Variant of Uncertain Significance. Nucleotide substitutions within the consensus splice site are a relatively common cause of aberrant splicing (PMID: 17576681, 9536098). Algorithms developed to predict the effect of sequence changes on RNA splicing suggest that this variant may disrupt the consensus splice site, but this prediction has not been confirmed by published transcriptional studies. This variant has not been reported in the literature in individuals with ITGB2-related conditions. This variant is not present in population databases (ExAC no frequency). This sequence change falls in intron 7 of the ITGB2 gene. It does not directly change the encoded amino acid sequence of the ITGB2 protein, but it affects a nucleotide within the consensus splice site of the intron.

Literature cited by the submitters: PubMed 17576681; PubMed 9536098.

NM_000211.5(ITGB2):c.897+6T>C

Gene: ITGB2 (integrin subunit beta 2; minus strand). Cytogenetic location: 21q22.3.
Variant type: single nucleotide variant.
Coding change: c.897+6T>C on transcript NM_000211.5 (MANE Select); 6 bases into the intron after coding-DNA position 897, T replaced by C.
Molecular consequence: intron variant.
Genome position (GRCh38, 1-based): chr21:44,900,314, A>G on the plus strand (T>C on the coding strand, the complement: ITGB2 is on the minus strand). VCF-style: chr21-44900314-A-G. GRCh37 (hg19) VCF-style: chr21-46320229-A-G.
Other names: c.897+6T>C (NM_001127491.3); c.690+6T>C (NM_001303238.2).
Identifiers: ClinVar variation 1008959 (VCV001008959.9), dbSNP rs2083932728, ClinGen allele CA2391879467.